The following is an entry in ClinVar:

ClinVar aggregate classification (germline): Likely benign (1 of 4 stars; one submission).

Allele frequency attached by ClinVar (database versions not stated): TOPMed 0.00040; gnomAD 0.00044; 1000 Genomes Project 30x 0.00047; 1000 Genomes Project 0.00060; ESP Exome Variant Server 0.00062; ExAC 0.00110.
gnomAD v4.1: 1,113 of 1,614,022 alleles (0.069%); highest among the groups gnomAD compares: South Asian, 0.52%; 7 homozygotes.

Submission:

CeGaT Center for Human Genetics Tuebingen
Classification: Likely benign. Last evaluated: 2023-01-01. Review status: criteria provided, single submitter. Criteria: CeGaT Center For Human Genetics Tuebingen Variant Classification Criteria Version 2. Collection method: clinical testing. Allele origin: germline. Affected: yes. Observed: 1 variant allele.
Comment: HHATL: BP4, BS2

NM_020707.4(HHATL):c.542G>T (p.Ser181Ile)

Gene: HHATL (hedgehog acyltransferase like; minus strand). Cytogenetic location: 3p22.1.
Variant type: single nucleotide variant.
Coding change: c.542G>T on transcript NM_020707.4 (MANE Select); coding-DNA position 542, G replaced by T.
Protein change: p.Ser181Ile; replaces serine 181 with isoleucine.
Molecular consequence: missense variant. On other transcripts: non-coding transcript variant (1).
Genome position (GRCh38, 1-based): chr3:42,698,293, C>A on the plus strand (G>T on the coding strand, the complement: HHATL is on the minus strand). VCF-style: chr3-42698293-C-A. GRCh37 (hg19) VCF-style: chr3-42739785-C-A.
Other names: short protein forms S181I.
Identifiers: ClinVar variation 2653713 (VCV002653713.24), dbSNP rs143853080, ClinGen allele CA2337487.
Genomic context (GRCh38, chr3:42,698,293, plus strand): 5'-TGGCGGTCAGGGTGGGCACAGCTCTCCAGTGCAAAGCTGGTGCAACGCAGCACTGTGAAG[C>A]TGCTGCCCCCATGAAACAGCACCTCTTGAAGATCAAAAGTGCCTGTTACAAACCCGCTCT-3'
Protein context (NP_065758.3, residues 171-191): LQEVLFHGGS[Ser181Ile]FTVLRCTSFA